The following is an entry in ClinVar:

ClinVar aggregate classification (germline): Uncertain significance (1 of 4 stars; one submission).

Allele frequency attached by ClinVar (database versions not stated): gnomAD exomes below 0.00001; TOPMed below 0.00001; gnomAD 0.00001.
gnomAD v4.1: 3 of 1,571,156 alleles (0.00019%); highest among the groups gnomAD compares: Non-Finnish European, 0.00026%; no homozygotes.

Submission:

GeneDx
Classification: Uncertain significance. Last evaluated: 2020-02-07. Review status: criteria provided, single submitter. Criteria: GeneDx Variant Classification Process June 2021. Collection method: clinical testing. Allele origin: germline. Affected: yes.
Comment: Not observed in large population cohorts (Lek et al., 2016); In silico analysis supports that this missense variant does not alter protein structure/function; Has not been previously published as pathogenic or benign to our knowledge

NM_001145809.2(MYH14):c.47G>C (p.Arg16Thr)

Gene: MYH14 (myosin heavy chain 14; plus strand). Cytogenetic location: 19q13.33.
Variant type: single nucleotide variant.
Coding change: c.47G>C on transcript NM_001145809.2 (MANE Select); coding-DNA position 47, G replaced by C.
Protein change: p.Arg16Thr; replaces arginine 16 with threonine.
Molecular consequence: missense variant.
Genome position (GRCh38, 1-based): chr19:50,210,412, G>C. VCF-style: chr19-50210412-G-C. GRCh37 (hg19) VCF-style: chr19-50713669-G-C.
Other names: c.47G>C, p.Arg16Thr (NM_001077186.2, NM_024729.4); short protein forms R16T.
Identifiers: ClinVar variation 1315361 (VCV001315361.2), dbSNP rs1393521993, ClinGen allele CA406945670.
Genomic context (GRCh38, chr19:50,210,412, plus strand): 5'-TGCCCCTGCAGACCATGGCAGCCGTGACCATGTCGGTGCCCGGGCGGAAGGCGCCCCCCA[G>C]GCCGGGCCCAGTGCCCGAGGCGGCCCAGCCGTTCCTGTTCACGCCCCGCGGGCCCAGCGC-3'
Protein context (NP_001139281.1, residues 6-26): MSVPGRKAPP[Arg16Thr]PGPVPEAAQP